The following is an entry in ClinVar:

ClinVar aggregate classification (germline): Benign. Review status: reviewed by expert panel (3 of 4 stars). 6 submissions from 6 submitters: Benign (1). 5 of the submissions do not count toward it. Last evaluated 2017-05-09.

Conditions:
Noonan syndrome and Noonan-related syndrome. Identifiers: Orphanet 98733, MedGen C5681679, MONDO:0020297.
MAP2K2-related disorder. Also called: MAP2K2-related condition.
Cardiovascular phenotype. Identifiers: MedGen CN230736.
RASopathy. Also called: rasopathies; Noonan spectrum disorder. Identifiers: Orphanet 536391, MedGen C5555857, MONDO:0021060.

Allele frequency attached by ClinVar (database versions not stated): gnomAD 0.00003 and 0.00005; gnomAD exomes 0.00009 and 0.00004; ExAC 0.00010; 1000 Genomes Project 30x 0.00031; 1000 Genomes Project 0.00040; TOPMed 0.00008.
gnomAD v4.1: 60 of 1,614,118 alleles (0.0037%); highest among the groups gnomAD compares: East Asian, 0.076%; no homozygotes.

Submissions (6):

ClinGen RASopathy Variant Curation Expert Panel
Classification: Benign for Noonan syndrome and Noonan-related syndrome. Last evaluated: 2017-05-09. Review status: reviewed by expert panel. Criteria: ClinGen RASopathy ACMG Specifications v1. Collection method: curation. Allele origin: germline. Inheritance: Autosomal dominant inheritance.
Comment: The filtering allele frequency of the c.141C>T (p.Asp47=) variant in the MAP2K2 gene is 0.054% (9/8646) of East Asian chromosomes by the Exome Aggregation Consortium, which is a high enough frequency to be classified as benign based on thresholds defined by the ClinGen RASopathy Expert Panel (BA1; PMID:29493581)

Labcorp Genetics (formerly Invitae), Labcorp
Classification: Benign for RASopathy. Last evaluated: 2025-11-05. Review status: criteria provided, single submitter. Criteria: Invitae Variant Classification Sherloc (09022015). Collection method: clinical testing. Allele origin: germline. Not counted in ClinVar's aggregate classification.

PreventionGenetics, part of Exact Sciences
Classification: Likely benign for MAP2K2-related condition. Last evaluated: 2025-06-23. Review status: criteria provided, single submitter. Criteria: ACMG Guidelines, 2015. Collection method: clinical testing. Allele origin: germline. Not counted in ClinVar's aggregate classification.
Comment: This variant is classified as likely benign based on ACMG/AMP sequence variant interpretation guidelines (Richards et al. 2015 PMID: 25741868, with internal and published modifications).

Genome Diagnostics Laboratory, The Hospital for Sick Children
Classification: Benign for Noonan syndrome and Noonan-related syndrome. Last evaluated: 2021-06-17. Review status: criteria provided, single submitter. Criteria: ACMG Guidelines, 2015. Collection method: clinical testing. Allele origin: germline. Not counted in ClinVar's aggregate classification.

Ambry Genetics
Classification: Likely benign for Cardiovascular phenotype. Last evaluated: 2021-05-13. Review status: criteria provided, single submitter. Criteria: Ambry Variant Classification Scheme 2023. Collection method: clinical testing. Allele origin: germline. Not counted in ClinVar's aggregate classification.

GeneDx
Classification: Benign. Last evaluated: 2020-01-28. Review status: criteria provided, single submitter. Criteria: GeneDx Variant Classification Process June 2021. Collection method: clinical testing. Allele origin: germline. Affected: yes. Not counted in ClinVar's aggregate classification.

NM_030662.4(MAP2K2):c.141C>T (p.Asp47=)

Gene: MAP2K2 (mitogen-activated protein kinase kinase 2; minus strand). Cytogenetic location: 19p13.3.
Variant type: single nucleotide variant.
Coding change: c.141C>T on transcript NM_030662.4 (MANE Select); coding-DNA position 141, C replaced by T.
Protein change: p.Asp47=; no amino-acid change (aspartic acid 47 retained).
Molecular consequence: synonymous variant.
Genome position (GRCh38, 1-based): chr19:4,117,581, G>A on the plus strand (C>T on the coding strand, the complement: MAP2K2 is on the minus strand). VCF-style: chr19-4117581-G-A. GRCh37 (hg19) VCF-style: chr19-4117579-G-A.
Other names: NM_030662.3(MAP2K2):c.141C>T.
Identifiers: ClinVar variation 448953 (VCV000448953.19), dbSNP rs201526172, ClinGen allele CA9091086.
Genomic context (GRCh38, chr19:4,117,581, plus strand): 5'-GAGTTCGCCGACCTTGGCTTTCTGGGTGAGAAAGGCTTCCAGCCGCTTCTTCTGCTGCTC[G>A]TCAAGTTCCAGCTCCTCCAGCTTCTTCTGCAGGTCCACCAGGTTTGCCCTGCAGAGACCC-3'
Protein context (NP_109587.1, residues 37-57): LQKKLEELEL[Asp47=]EQQKKRLEAF